The following is an entry in ClinVar:

NM_001384474.1(LOXHD1):c.1537_1538del (p.Leu513fs)

Gene: LOXHD1 (lipoxygenase homology PLAT domains 1; minus strand). Cytogenetic location: 18q21.1.
Variant type: Microsatellite.
Coding change: c.1537_1538del on transcript NM_001384474.1 (MANE Select); coding-DNA positions 1537 to 1538, 2 bases deleted (CT; older notation c.1537_1538delCT).
Protein change: p.Leu513fs; shifts the reading frame from leucine 513.
Molecular consequence: frameshift variant.
Genome position (GRCh38, 1-based): chr18:46,592,049-46,592,050, AG deleted on the plus strand (CT on the coding strand, the reverse complement: LOXHD1 is on the minus strand); deleting any 2 consecutive bases within chr18:46,592,049-46,592,052 gives the same sequence; the c. name uses the placement nearest the transcript's 3' end. VCF-style (leftmost placement, unchanged base first): chr18-46592048-CAG-C. GRCh37 (hg19) VCF-style: chr18-44172011-CAG-C.
Other names: c.1537_1538del, p.Leu513fs (NM_144612.7); c.1537_1538delCT (NM_144612.6, NM_144612.7); short protein forms L513fs.
Identifiers: ClinVar variation 498162 (VCV000498162.47), dbSNP rs1555683951, ClinGen allele CA629503167.

ClinVar aggregate classification (germline): Pathogenic/Likely pathogenic. Review status: criteria provided, multiple submitters, no conflicts (2 of 4 stars). 10 submissions from 10 submitters: Pathogenic (8); Likely pathogenic (2). Last evaluated 2026-04-02.

Conditions:
Nonsyndromic genetic hearing loss. Also called: Nonsyndromic genetic deafness; Non-syndromic genetic deafness; Nonsyndromic hearing loss and deafness. Identifiers: Orphanet 87884, MedGen C5680182, MONDO:0019497.
Autosomal recessive nonsyndromic hearing loss 77. Identifiers: Orphanet 90636, MedGen C2746083, MONDO:0013119, OMIM 613079.
Rare genetic deafness. Identifiers: Orphanet 96210, MedGen C5680250.

Submissions (10):

Women's Health and Genetics/Laboratory Corporation of America, LabCorp
Classification: Pathogenic for Nonsyndromic genetic hearing loss. Last evaluated: 2026-04-02. Review status: criteria provided, single submitter. Criteria: LabCorp Variant Classification Summary - May 2015. Collection method: clinical testing. Allele origin: germline.
Comment: Variant summary: LOXHD1 c.1537_1538delCT (p.Leu513GlufsX17) results in a premature termination codon, predicted to cause a truncation of the encoded protein or absence of the protein due to nonsense mediated decay, which are commonly known mechanisms for disease. The variant allele was found at a frequency of 6.2e-06 in 160674 control chromosomes. c.1537_1538delCT has been observed in individual(s) affected with Nonsyndromic Hearing Loss And Deafness (Carlson_2023). These data indicate that the variant may be associated with disease. To our knowledge, no experimental evidence demonstrating an impact on protein function has been reported. The following publication has been ascertained in the context of this evaluation (PMID: 36633841). ClinVar contains an entry for this variant (Variation ID: 498162). Based on the evidence outlined above, the variant was classified as pathogenic.

Natera, Inc.
Classification: Likely pathogenic for Autosomal recessive deafness type 77. Last evaluated: 2025-12-17. Review status: criteria provided, single submitter. Criteria: Natera Variant Classification Schema (03/2026). Collection method: clinical testing. Allele origin: germline.
Comment: The c.1537_1538delCT variant in LOXHD1 is a frameshift variant predicted to shift the reading frame beginning at codon 513 and leads to a stop codon 17 codons downstream. This variant is expected to result in nonsense mediated decay, truncation, or a dysfunctional protein product. This variant is rare in the general population with a frequency below the threshold expected for the associated phenotype(s). Given the available evidence, this variant is classified as Likely Pathogenic.

Genomic Medicine Center of Excellence, King Faisal Specialist Hospital and Research Centre
Classification: Pathogenic for Autosomal recessive nonsyndromic hearing loss 77. Last evaluated: 2025-09-10. Review status: criteria provided, single submitter. Criteria: ACMG Guidelines, 2015. Collection method: clinical testing. Allele origin: germline.

First Genomix Gene Laboratory, Genetic Diagnostics Department
Classification: Pathogenic for Autosomal recessive nonsyndromic hearing loss 77. Last evaluated: 2025-08-22. Review status: criteria provided, single submitter. Criteria: ACMG Guidelines, 2015. Collection method: clinical testing. Allele origin: germline. Inheritance: Autosomal recessive inheritance. Affected: no. Observed: 1 variant allele.

Labcorp Genetics (formerly Invitae), Labcorp
Classification: Pathogenic. Last evaluated: 2024-08-05. Review status: criteria provided, single submitter. Criteria: Invitae Variant Classification Sherloc (09022015). Collection method: clinical testing. Allele origin: germline.
Comment: This sequence change creates a premature translational stop signal (p.Leu513Glufs*17) in the LOXHD1 gene. It is expected to result in an absent or disrupted protein product. Loss-of-function variants in LOXHD1 are known to be pathogenic (PMID: 19732867, 21465660, 25792669). This variant is present in population databases (no rsID available, gnomAD 0.002%). This premature translational stop signal has been observed in individual(s) with deafness (Invitae). ClinVar contains an entry for this variant (Variation ID: 498162). For these reasons, this variant has been classified as Pathogenic.

Fulgent Genetics
Classification: Pathogenic for Autosomal recessive nonsyndromic hearing loss 77. Last evaluated: 2024-05-29. Review status: criteria provided, single submitter. Criteria: ACMG Guidelines, 2015. Collection method: clinical testing. Allele origin: germline.

CeGaT Center for Human Genetics Tuebingen
Classification: Pathogenic. Last evaluated: 2023-09-01. Review status: criteria provided, single submitter. Criteria: CeGaT Center For Human Genetics Tuebingen Variant Classification Criteria Version 2. Collection method: clinical testing. Allele origin: germline. Affected: yes. Observed: 1 variant allele.
Comment: LOXHD1: PVS1, PM2, PM3:Supporting

Laboratory for Molecular Medicine, Mass General Brigham Personalized Medicine
Classification: Likely pathogenic for Rare genetic deafness. Last evaluated: 2020-08-13. Review status: criteria provided, single submitter. Criteria: LMM Criteria. Collection method: clinical testing. Allele origin: germline. Inheritance: Autosomal recessive inheritance. Observed: 1 variant allele.
Comment: The p.Leu513GlufsX17 variant in LOXHD1 has not been previously reported in individuals with hearing loss, but has been identified in 0.002% (1/62350) of European chromosomes by gnomAD. However, this frequency is low enough to be consistent with a recessive allele frequency. This variant is predicted to cause a frameshift, which alters the proteinâ€™s amino acid sequence beginning at position 513 and leads to a premature termination codon 17 amino acids downstream. This alteration is then predicted to lead to a truncated or absent protein. Loss of function of the LOXHD1 gene is an established disease mechanism in autosomal recessive sensorineural hearing loss. In summary, although additional studies are required to fully establish its clinical significance, this variant meets criteria to be classified as likely pathogenic for autosomal recessive sensorineural hearing loss. ACMG/AMP Criteria applied: PVS1, PM2.

Revvity Omics, Revvity
Classification: Pathogenic for Autosomal recessive nonsyndromic hearing loss 77. Last evaluated: 2020-08-05. Review status: criteria provided, single submitter. Criteria: ACMG Guidelines, 2015. Collection method: clinical testing. Allele origin: germline.

Eurofins Ntd Llc (ga)
Classification: Pathogenic. Last evaluated: 2016-11-14. Review status: criteria provided, single submitter. Criteria: EGL Classification Definitions 2015. Collection method: clinical testing. Allele origin: germline. Observed: 1 variant allele, 1 heterozygote.

Literature cited by the submitters: PubMed 36633841 (cited by Women's Health and Genetics/Laboratory Corporation of America, LabCorp); PubMed 19732867 (cited by Labcorp Genetics (formerly Invitae), Labcorp); PubMed 21465660 (cited by Labcorp Genetics (formerly Invitae), Labcorp); PubMed 25792669 (cited by Labcorp Genetics (formerly Invitae), Labcorp).